The following is an entry in ClinVar:

ClinVar aggregate classification (germline): Uncertain significance (1 of 4 stars; one submission).

Submission:

Labcorp Genetics (formerly Invitae), Labcorp
Classification: Uncertain significance. Last evaluated: 2020-12-23. Review status: criteria provided, single submitter. Criteria: Invitae Variant Classification Sherloc (09022015). Collection method: clinical testing. Allele origin: germline.
Comment: In summary, the available evidence is currently insufficient to determine the role of this variant in disease. Therefore, it has been classified as a Variant of Uncertain Significance. Algorithms developed to predict the effect of sequence changes on RNA splicing suggest that this variant may create or strengthen a splice site, but this prediction has not been confirmed by published transcriptional studies. This variant has not been reported in the literature in individuals with LAMC3-related conditions. This variant is not present in population databases (ExAC no frequency). This sequence change falls in intron 7 of the LAMC3 gene. It does not directly change the encoded amino acid sequence of the LAMC3 protein.

NM_006059.4(LAMC3):c.1383-19T>G

Gene: LAMC3 (laminin subunit gamma 3; plus strand). Cytogenetic location: 9q34.12.
Variant type: single nucleotide variant.
Coding change: c.1383-19T>G on transcript NM_006059.4 (MANE Select); 19 bases into the intron before coding-DNA position 1383, T replaced by G.
Molecular consequence: intron variant.
Genome position (GRCh38, 1-based): chr9:131,045,505, T>G. VCF-style: chr9-131045505-T-G. GRCh37 (hg19) VCF-style: chr9-133920892-T-G.
Identifiers: ClinVar variation 1481486 (VCV001481486.8), dbSNP rs1834138585, ClinGen allele CA2573144081.